The following is an entry in ClinVar:

NM_138694.4(PKHD1):c.9230G>A (p.Trp3077Ter)

Gene: PKHD1 (PKHD1 ciliary IPT domain containing fibrocystin/polyductin; minus strand). Cytogenetic location: 6p12.3.
Variant type: single nucleotide variant.
Coding change: c.9230G>A on transcript NM_138694.4 (MANE Select); coding-DNA position 9230, G replaced by A.
Protein change: p.Trp3077Ter; replaces tryptophan 3077 with a stop codon.
Molecular consequence: nonsense.
Genome position (GRCh38, 1-based): chr6:51,748,386, C>T on the plus strand (G>A on the coding strand, the complement: PKHD1 is on the minus strand). VCF-style: chr6-51748386-C-T. GRCh37 (hg19) VCF-style: chr6-51613184-C-T.
Other names: c.9230G>A, p.Trp3077Ter (NM_170724.3); short protein forms W3077*.
Identifiers: ClinVar variation 1031148 (VCV001031148.2), dbSNP rs1250269841, ClinGen allele CA364422712.

ClinVar aggregate classification (germline): Likely pathogenic. Review status: criteria provided, multiple submitters, no conflicts (2 of 4 stars). 2 submissions from 2 submitters: Likely pathogenic (2). Last evaluated 2025-09-04.

Conditions:
Autosomal recessive polycystic kidney disease (ARPKD). Also called: AR polycystic kidney disease. Identifiers: Orphanet 731, Orphanet 8378, MedGen C0085548, MeSH D017044, MONDO:0009889.
Polycystic kidney disease 4 (PKD4). Also called: POLYCYSTIC KIDNEY AND HEPATIC DISEASE 1; POLYCYSTIC KIDNEY DISEASE, INFANTILE, TYPE I; POLYCYSTIC KIDNEY DISEASE 4 WITH OR WITHOUT POLYCYSTIC LIVER DISEASE; Autosomal Recessive Polycystic Kidney Disease – PKHD1; PKD3. Identifiers: MedGen C4540575, MONDO:0033004, OMIM 263200.

Submissions (2):

Natera, Inc.
Classification: Likely pathogenic for Autosomal recessive polycystic kidney disease. Last evaluated: 2025-09-04. Review status: criteria provided, single submitter. Criteria: Natera Variant Classification Schema (03/2026). Collection method: clinical testing. Allele origin: germline.
Comment: The c.9230G>A variant in PKHD1 is a nonsense variant predicted to introduce a stop codon at amino acid 3077. This variant is expected to result in nonsense mediated decay, truncation, or a dysfunctional protein product. This variant is rare in the general population with a frequency below the threshold expected for the associated phenotype(s). Given the available evidence, this variant is classified as Likely Pathogenic.

Baylor Genetics
Classification: Likely pathogenic for Polycystic kidney disease 4. Last evaluated: 2020-05-05. Review status: criteria provided, single submitter. Criteria: ACMG Guidelines, 2015. Collection method: clinical testing. Allele origin: unknown. Affected: yes.
Comment: This variant was determined to be likely pathogenic according to ACMG Guidelines, 2015 [PMID:25741868].